The following is an entry in ClinVar:

ClinVar aggregate classification (germline): Benign (1 of 4 stars; one submission).

Conditions:
Tuberous sclerosis 2 (TSC2). Identifiers: Orphanet 805, MedGen C1860707, MONDO:0013199, OMIM 613254.

Submission:

Myriad Genetics, Inc.
Classification: Benign for Tuberous sclerosis 2. Last evaluated: 2025-05-30. Review status: criteria provided, single submitter. Criteria: Myriad Autosomal Dominant, Autosomal Recessive and X-Linked Classification Criteria (2023). Collection method: clinical testing. Allele origin: unknown.
Comment: This variant is considered benign. This variant is a silent/synonymous amino acid change and it is not expected to impact splicing.

NM_000548.5(TSC2):c.3840G>A (p.Gln1280=)

Gene: TSC2 (TSC complex subunit 2; plus strand). Cytogenetic location: 16p13.3.
Variant type: single nucleotide variant.
Coding change: c.3840G>A on transcript NM_000548.5 (MANE Select); coding-DNA position 3840, G replaced by A.
Protein change: p.Gln1280=; no amino-acid change (glutamine 1280 retained).
Molecular consequence: synonymous variant. On other transcripts: intron variant (33), non-coding transcript variant (1).
Genome position (GRCh38, 1-based): chr16:2,082,461, G>A. VCF-style: chr16-2082461-G-A. GRCh37 (hg19) VCF-style: chr16-2132462-G-A.
Other names: c.3703+663G>A (NM_001406670.1); c.3574+663G>A (NM_001318827.2); c.3571+663G>A (NM_001406678.1); c.3214+663G>A (NM_001406682.1, NM_001406683.1); c.3211+663G>A (NM_001406684.1); c.3085+663G>A (NM_001406685.1, NM_001406686.1); c.3082+663G>A (NM_001406688.1, NM_001406687.1); c.3625+663G>A (NM_001406677.1); and 25 more.
Identifiers: ClinVar variation 4071303 (VCV004071303.1).